The following is an entry in ClinVar:

ClinVar aggregate classification (germline): Likely pathogenic. Review status: reviewed by expert panel (3 of 4 stars). 2 submissions from 2 submitters: Likely pathogenic (1). 1 of the submissions does not count toward it. Last evaluated 2024-09-11.

Conditions:
Cerebral creatine deficiency syndrome. Also called: Creatine deficiency syndromes. Identifiers: Orphanet 79172, MedGen C5244016, MONDO:0000456.
Deficiency of guanidinoacetate methyltransferase (CCDS2). Also called: GAMT DEFICIENCY; CEREBRAL CREATINE DEFICIENCY SYNDROME 2; Guanidinoacetate Methyltransferase (GAMT) Deficiency. Identifiers: Orphanet 382, MedGen C0574080, MONDO:0012999, OMIM 612736.

Allele frequency attached by ClinVar (database versions not stated): gnomAD exomes below 0.00001.

Submissions (2):

ClinGen Cerebral Creatine Deficiency Syndromes Variant Curation Expert Panel, ClinGen
Classification: Likely pathogenic for Deficiency of guanidinoacetate methyltransferase. Last evaluated: 2024-09-11. Review status: reviewed by expert panel. Criteria: ClinGen CCDS ACMG Specifications GAMT V2.0.0. Collection method: curation. Allele origin: germline. Inheritance: Autosomal recessive inheritance.
Comment: The NM_000156.6:c.1A>G (p.Met1Val) variant in GAMT may cause a truncated or absent protein by altering the start codon of the coding sequence and is predicted to lead to the omission of a critical region of the protein (PVS1_Moderate). This variant is reported in an individual with elevated GAA and low creatine in plasma, elevated guanidinoacetate in urine, and diminished creatine peak on magnetic resonance spectroscopy (GAA not reported) (CreatineInfo, Association for Creatine Deficiencies registry). The variant is also reported in one individual with epilepsy and/or neurodevelopmental delay without reported biochemical evidence of GAMT deficiency (PMID: 29655203; unknown if these cases may be the same individual) (PP4_Strong). The highest population minor allele frequency in gnomAD v4.1.0. is 9.588e-7 (1/1042950 alleles; no homozygotes) in the European non-Finnish population, which is lower than the ClinGen CCDS VCEP’s threshold for PM2_Supporting (<0.0004), meeting this criterion (PM2_Supporting). There is a ClinVar entry for this variant (Variation ID: 205591). In summary, this variant meets the criteria to be classified as likely pathogenic for GAMT deficiency based on the ACMG/AMP criteria applied, as specified by the ClinGen Cerebral Creatine Deficiency Syndromes Variant Curation Expert Panel (Specifications Version 2.0.0): PVS1_Moderate, PM2_Supporting, PP4_Strong. (Classification approved by the ClinGen Cerebral Creatine Deficiency Syndromes Variant Curation Expert Panel on September 11, 2024).

Labcorp Genetics (formerly Invitae), Labcorp
Classification: Pathogenic for Cerebral creatine deficiency syndrome. Last evaluated: 2024-12-17. Review status: criteria provided, single submitter. Criteria: Invitae Variant Classification Sherloc (09022015). Collection method: clinical testing. Allele origin: germline. Not counted in ClinVar's aggregate classification.
Comment: This sequence change affects the initiator methionine of the GAMT mRNA. The next in-frame methionine is located at codon 42. This variant is not present in population databases (gnomAD no frequency). Disruption of the initiator codon has been observed in individual(s) with epilepsy and/or neurodevelopmental disorders (PMID: 29655203). ClinVar contains an entry for this variant (Variation ID: 205591). This variant disrupts a region of the GAMT protein in which other variant(s) (p.Trp20Ser) have been determined to be pathogenic (PMID: 15108290, 15651030, 17336114, 21140503). This suggests that this is a clinically significant region of the protein, and that variants that disrupt it are likely to be disease-causing. For these reasons, this variant has been classified as Pathogenic.

Literature cited by the submitters: PubMed 29655203 (cited by Labcorp Genetics (formerly Invitae), Labcorp); PubMed 15108290 (cited by Labcorp Genetics (formerly Invitae), Labcorp); PubMed 15651030 (cited by Labcorp Genetics (formerly Invitae), Labcorp); PubMed 17336114 (cited by Labcorp Genetics (formerly Invitae), Labcorp); PubMed 21140503 (cited by Labcorp Genetics (formerly Invitae), Labcorp).

NM_000156.6(GAMT):c.1A>G (p.Met1Val)

Genes: GAMT (guanidinoacetate N-methyltransferase; minus strand), LOC130062945 (ATAC-STARR-seq lymphoblastoid silent region 9707; plus strand). Cytogenetic location: 19p13.3.
Variant type: single nucleotide variant.
Coding change: c.1A>G on transcript NM_000156.6 (MANE Select); coding-DNA position 1, A replaced by G.
Protein change: p.Met1Val; changes the start codon (methionine 1).
Molecular consequence: missense variant, initiator codon variant.
Genome position (GRCh38, 1-based): chr19:1,401,476, T>C on the plus strand (A>G on the coding strand, the complement: GAMT is on the minus strand). VCF-style: chr19-1401476-T-C. GRCh37 (hg19) VCF-style: chr19-1401475-T-C.
Other names: NM_000156.6(GAMT):c.1A>G; p.Met1Val; c.1A>G, p.Met1Val (NM_138924.3); short protein forms M1V.
Identifiers: ClinVar variation 205591 (VCV000205591.8), dbSNP rs796052527, ClinGen allele CA314826.